The following is an entry in ClinVar:

ClinVar aggregate classification (germline): Likely benign. Review status: criteria provided, multiple submitters, no conflicts (2 of 4 stars). 2 submissions from 2 submitters: Likely benign (2). Last evaluated 2026-07-01.

gnomAD v4.1: 4,651 of 1,614,134 alleles (0.29%); highest among the groups gnomAD compares: Non-Finnish European, 0.35%; 13 homozygotes.

Submissions (2):

CeGaT Center for Human Genetics Tuebingen
Classification: Likely benign. Last evaluated: 2026-07-01. Review status: criteria provided, single submitter. Criteria: CeGaT Center For Human Genetics Tuebingen Variant Classification Criteria Version 2. Collection method: clinical testing. Allele origin: germline. Affected: yes. Observed: 4 variant alleles.
Comment: ESAM: BP4, BS2

Blueprint Genetics
Classification: Likely benign. Last evaluated: 2024-11-06. Review status: criteria provided, single submitter. Criteria: ACMG Guidelines, 2015. Collection method: clinical testing. Allele origin: germline.

NM_138961.3(ESAM):c.319C>T (p.Arg107Trp)

Gene: ESAM (endothelial cell adhesion molecule; minus strand). Cytogenetic location: 11q24.2.
Variant type: single nucleotide variant.
Coding change: c.319C>T on transcript NM_138961.3 (MANE Select); coding-DNA position 319, C replaced by T.
Protein change: p.Arg107Trp; replaces arginine 107 with tryptophan.
Molecular consequence: missense variant.
Genome position (GRCh38, 1-based): chr11:124,756,673, G>A on the plus strand (C>T on the coding strand, the complement: ESAM is on the minus strand). VCF-style: chr11-124756673-G-A. GRCh37 (hg19) VCF-style: chr11-124626569-G-A.
Other names: short protein forms R107W.
Identifiers: ClinVar variation 3770821 (VCV003770821.14).